The following is an entry in ClinVar:

NM_001999.4(FBN2):c.3842G>A (p.Cys1281Tyr)

Gene: FBN2 (fibrillin 2; minus strand). Cytogenetic location: 5q23.3.
Variant type: single nucleotide variant.
Coding change: c.3842G>A on transcript NM_001999.4 (MANE Select); coding-DNA position 3842, G replaced by A.
Protein change: p.Cys1281Tyr; replaces cysteine 1281 with tyrosine.
Molecular consequence: missense variant.
Genome position (GRCh38, 1-based): chr5:128,335,460, C>T on the plus strand (G>A on the coding strand, the complement: FBN2 is on the minus strand). VCF-style: chr5-128335460-C-T. GRCh37 (hg19) VCF-style: chr5-127671152-C-T.
Other names: short protein forms C1281Y.
Identifiers: ClinVar variation 3602514 (VCV003602514.1).

ClinVar aggregate classification (germline): Uncertain significance (1 of 4 stars; one submission).

Submission:

GeneDx
Classification: Uncertain significance. Last evaluated: 2024-08-01. Review status: criteria provided, single submitter. Criteria: GeneDx Variant Classification Process June 2021. Collection method: clinical testing. Allele origin: germline. Affected: yes.
Comment: Has not been previously published as pathogenic or benign to our knowledge; Not observed at significant frequency in large population cohorts (gnomAD); In silico analysis supports that this missense variant has a deleterious effect on protein structure/function; This variant is associated with the following publications: (PMID: 18767143, 19006240)